The following is an entry in ClinVar:

ClinVar aggregate classification (germline): Uncertain significance (1 of 4 stars; one submission).

Conditions:
Drash syndrome (DDS). Also called: NEPHROPATHY, WILMS TUMOR, AND GENITAL ANOMALIES; WILMS TUMOR AND PSEUDO- OR TRUE HERMAPHRODITISM. Identifiers: Orphanet 220, MedGen C0950121, MONDO:0008682, OMIM 194080.
Wilms tumor 1 (WT1). Also called: Wilms tumor, somatic. Identifiers: Orphanet 654, MedGen CN033288, MONDO:0008679, OMIM 194070.
11p partial monosomy syndrome (WAGR). Also called: WAGR syndrome; WAGR Complex; CHROMOSOME 11p13 DELETION SYNDROME; WAGR Spectrum Disorder. Identifiers: Orphanet 893, MedGen C0206115, MONDO:0008681, OMIM 194072.
Frasier syndrome. Identifiers: Orphanet 347, MedGen C0950122, MeSH D052159, MONDO:0007635, OMIM 136680.

Submission:

Labcorp Genetics (formerly Invitae), Labcorp
Classification: Uncertain significance for Wilms tumor 1; Drash syndrome; 11p partial monosomy syndrome; Frasier syndrome. Last evaluated: 2023-06-02. Review status: criteria provided, single submitter. Criteria: Invitae Variant Classification Sherloc (09022015). Collection method: clinical testing. Allele origin: germline.
Comment: This sequence change replaces asparagine, which is neutral and polar, with lysine, which is basic and polar, at codon 77 of the WT1 protein (p.Asn77Lys). This variant is not present in population databases (gnomAD no frequency). This variant has not been reported in the literature in individuals affected with WT1-related conditions. Advanced modeling of protein sequence and biophysical properties (such as structural, functional, and spatial information, amino acid conservation, physicochemical variation, residue mobility, and thermodynamic stability) performed at Invitae indicates that this missense variant is not expected to disrupt WT1 protein function. In summary, the available evidence is currently insufficient to determine the role of this variant in disease. Therefore, it has been classified as a Variant of Uncertain Significance.

NM_024426.6(WT1):c.246C>A (p.Asn82Lys)

Genes: WT1 (WT1 transcription factor; minus strand), LOC107982234 (WT1/WT1-AS bi-directional promoter region; plus strand). Cytogenetic location: 11p13.
Variant type: single nucleotide variant.
Coding change: c.246C>A on transcript NM_024426.6 (MANE Select); coding-DNA position 246, C replaced by A.
Protein change: p.Asn82Lys; replaces asparagine 82 with lysine.
Molecular consequence: missense variant. On other transcripts: non-coding transcript variant (2).
Genome position (GRCh38, 1-based): chr11:32,435,115, G>T on the plus strand (C>A on the coding strand, the complement: WT1 is on the minus strand). VCF-style: chr11-32435115-G-T. GRCh37 (hg19) VCF-style: chr11-32456661-G-T.
Other names: c.246C>A, p.Asn82Lys (NM_000378.6, NM_001407044.1, NM_001407045.1 and 6 more transcripts); c.231C>A, p.Asn77Lys (NM_024425.2); short protein forms N77K, N82K.
Identifiers: ClinVar variation 2935852 (VCV002935852.3), dbSNP rs1205117425, ClinGen allele CA379966077.